The following is an entry in ClinVar:

NM_001243177.4(ALDOA):c.192G>A (p.Pro64=)

Genes: ALDOA (aldolase, fructose-bisphosphate A; plus strand), LOC112694756 (uncharaterized LOC112694756; plus strand). Cytogenetic location: 16p11.2.
Variant type: single nucleotide variant.
Coding change: c.192G>A on transcript NM_001243177.4 (MANE Select); coding-DNA position 192, G replaced by A.
Protein change: p.Pro64=; no amino-acid change (proline 64 retained).
Molecular consequence: synonymous variant. On other transcripts: 3 prime UTR variant (3).
Genome position (GRCh38, 1-based): chr16:30,067,284, G>A. VCF-style: chr16-30067284-G-A. GRCh37 (hg19) VCF-style: chr16-30078605-G-A.
Other names: c.*539G>A (NM_001365304.2, NM_001365305.2, NM_001365307.2); c.30G>A, p.Pro10= (NM_001127617.2, NM_184041.5, NM_184043.2).
Identifiers: ClinVar variation 386055 (VCV000386055.1), dbSNP rs760287676, ClinGen allele CA8000849.

ClinVar aggregate classification (germline): Likely benign (1 of 4 stars; one submission).

Allele frequency attached by ClinVar (database versions not stated): gnomAD 0.00001 and 0.00002; gnomAD exomes 0.00001 and 0.00003; ExAC 0.00002; TOPMed 0.00002.
gnomAD v4.1: 13 of 1,612,508 alleles (0.00081%); highest among the groups gnomAD compares: East Asian, 0.0022%; no homozygotes.

Submission:

GeneDx
Classification: Likely benign. Last evaluated: 2016-05-19. Review status: criteria provided, single submitter. Criteria: GeneDx Variant Classification (06012015). Collection method: clinical testing. Allele origin: germline. Affected: yes.
Comment: This variant is considered likely benign or benign based on one or more of the following criteria: it is a conservative change, it occurs at a poorly conserved position in the protein, it is predicted to be benign by multiple in silico algorithms, and/or has population frequency not consistent with disease.